The following is an entry in ClinVar:

NM_012281.3(KCND2):c.1862G>A (p.Gly621Glu)

Gene: KCND2 (potassium voltage-gated channel subfamily D member 2; plus strand). Cytogenetic location: 7q31.31.
Variant type: single nucleotide variant.
Coding change: c.1862G>A on transcript NM_012281.3 (MANE Select); coding-DNA position 1862, G replaced by A.
Protein change: p.Gly621Glu; replaces glycine 621 with glutamic acid.
Molecular consequence: missense variant.
Genome position (GRCh38, 1-based): chr7:120,747,827, G>A. VCF-style: chr7-120747827-G-A. GRCh37 (hg19) VCF-style: chr7-120387881-G-A.
Other names: short protein forms G621E.
Identifiers: ClinVar variation 2833350 (VCV002833350.3), dbSNP rs751780715, ClinGen allele CA369136804.

ClinVar aggregate classification (germline): Uncertain significance (1 of 4 stars; one submission).

Conditions:
Early Myoclonic Encephalopathy. Identifiers: MedGen C0270855.

Submission:

Labcorp Genetics (formerly Invitae), Labcorp
Classification: Uncertain significance for Early Myoclonic Encephalopathy. Last evaluated: 2023-04-09. Review status: criteria provided, single submitter. Criteria: Invitae Variant Classification Sherloc (09022015). Collection method: clinical testing. Allele origin: germline.
Comment: In summary, the available evidence is currently insufficient to determine the role of this variant in disease. Therefore, it has been classified as a Variant of Uncertain Significance. Advanced modeling of protein sequence and biophysical properties (such as structural, functional, and spatial information, amino acid conservation, physicochemical variation, residue mobility, and thermodynamic stability) performed at Invitae indicates that this missense variant is not expected to disrupt KCND2 protein function. This variant has not been reported in the literature in individuals affected with KCND2-related conditions. This variant is not present in population databases (gnomAD no frequency). This sequence change replaces glycine, which is neutral and non-polar, with glutamic acid, which is acidic and polar, at codon 621 of the KCND2 protein (p.Gly621Glu).